The following is an entry in ClinVar:

ClinVar aggregate classification (germline): Uncertain significance. Review status: criteria provided, multiple submitters, no conflicts (2 of 4 stars). 3 submissions from 3 submitters: Uncertain significance (3). Last evaluated 2024-12-19.

Allele frequency attached by ClinVar (database versions not stated): gnomAD 0.00004 and 0.00005; TOPMed 0.00009; ESP Exome Variant Server 0.00025.
gnomAD v4.1: 100 of 1,613,432 alleles (0.0062%); highest among the groups gnomAD compares: Middle Eastern, 0.033%; no homozygotes.

Submissions (3):

GeneDx
Classification: Uncertain significance. Last evaluated: 2024-12-19. Review status: criteria provided, single submitter. Criteria: GeneDx Variant Classification Process June 2021. Collection method: clinical testing. Allele origin: germline.
Comment: Has not been previously published as pathogenic or benign to our knowledge; In silico analysis supports that this missense variant has a deleterious effect on protein structure/function

Labcorp Genetics (formerly Invitae), Labcorp
Classification: Uncertain significance. Last evaluated: 2022-06-14. Review status: criteria provided, single submitter. Criteria: Invitae Variant Classification Sherloc (09022015). Collection method: clinical testing. Allele origin: germline.
Comment: This sequence change replaces proline, which is neutral and non-polar, with leucine, which is neutral and non-polar, at codon 662 of the LTBP4 protein (p.Pro662Leu). This variant is present in population databases (rs201619081, gnomAD 0.02%). This variant has not been reported in the literature in individuals affected with LTBP4-related conditions. ClinVar contains an entry for this variant (Variation ID: 1335342). Experimental studies and prediction algorithms are not available or were not evaluated, and the functional significance of this variant is currently unknown. In summary, the available evidence is currently insufficient to determine the role of this variant in disease. Therefore, it has been classified as a Variant of Uncertain Significance.

CeGaT Center for Human Genetics Tuebingen
Classification: Uncertain significance. Last evaluated: 2021-12-01. Review status: criteria provided, single submitter. Criteria: CeGaT Center For Human Genetics Tuebingen Variant Classification Criteria Version 2. Collection method: clinical testing. Allele origin: germline. Affected: yes. Observed: 1 variant allele.

NM_001042545.2(LTBP4):c.1895C>T (p.Pro632Leu)

Gene: LTBP4 (latent transforming growth factor beta binding protein 4; plus strand). Cytogenetic location: 19q13.2.
Variant type: single nucleotide variant.
Coding change: c.1895C>T on transcript NM_001042545.2 (MANE Select); coding-DNA position 1895, C replaced by T.
Protein change: p.Pro632Leu; replaces proline 632 with leucine.
Molecular consequence: missense variant.
Genome position (GRCh38, 1-based): chr19:40,611,236, C>T. VCF-style: chr19-40611236-C-T. GRCh37 (hg19) VCF-style: chr19-41117142-C-T.
Other names: c.2096C>T, p.Pro699Leu (NM_001042544.1); c.1985C>T, p.Pro662Leu (NM_003573.2); short protein forms P632L, P662L, P699L.
Identifiers: ClinVar variation 1335342 (VCV001335342.39), dbSNP rs201619081, ClinGen allele CA9448466.